The following is an entry in ClinVar:

ClinVar aggregate classification (germline): Likely pathogenic (1 of 4 stars; one submission).

Conditions:
Primary dilated cardiomyopathy (DCM). Also called: Dilated Cardiomyopathy. Identifiers: Orphanet 217604, MedGen C0007193, MeSH D002311, MONDO:0005021, HP:0001644. Inheritance: Various modes of inheritance.

Submission:

Cardiovascular Biomedical Research Unit, Royal Brompton & Harefield NHS Foundation Trust
Classification: Likely pathogenic for Primary dilated cardiomyopathy. Last evaluated: 2014-10-08. Review status: criteria provided, single submitter. Criteria: Roberts et al. 2015. Collection method: research. Allele origin: germline. Inheritance: Autosomal dominant inheritance. Affected: yes. Observed: 1 variant allele. Study: Unselected DCM.
Comment: In the seven cohorts assessed, TTNtv were found in 14% of ambulant DCM, 22% end-stage or familial DCM, and 2% controls. Heterozygous nonsense, frameshift and canonical splice-disrupting variants found in constitutive and other highly utilised exons are highly likely to be pathogenic when identified in individuals with phenotypically confirmed DCM. TTNtv found incidentally in healthy individuals (excluding familial assessment of DCM relatives) are thought to have low penetrance, particularly when identified in exons that are not constitutively expressed in the heart.

NM_001267550.2(TTN):c.74306dup (p.Asn24769fs)

Genes: TTN (titin; minus strand), TTN-AS1 (TTN antisense RNA 1; plus strand). Cytogenetic location: 2q31.2.
Variant type: Duplication.
Coding change: c.74306dup on transcript NM_001267550.2 (MANE Select); coding-DNA position 74306, one base duplicated (A; older notation c.74306dupA).
Protein change: p.Asn24769fs; shifts the reading frame from asparagine 24769.
Molecular consequence: frameshift variant.
Genome position (GRCh38, 1-based): chr2:178,571,826, T duplicated on the plus strand (A on the coding strand, the reverse complement: TTN is on the minus strand); the first of 4 consecutive T bases (chr2:178,571,826-178,571,829); duplicating any one gives the same sequence. VCF-style (leftmost placement, unchanged base first): chr2-178571825-A-AT. GRCh37 (hg19) VCF-style: chr2-179436552-A-AT.
Other names: c.69383dup, p.Asn23128fs (NM_001256850.1); c.47111dup, p.Asn15704fs (NM_003319.4); c.66602dup, p.Asn22201fs (NM_133378.4); c.47486dup, p.Asn15829fs (NM_133432.3); c.47687dup, p.Asn15896fs (NM_133437.4); c.74306dupA (LRG_391t1); short protein forms N15704fs, N15896fs, N15829fs, N22201fs, N24769fs, N23128fs.
Identifiers: ClinVar variation 223290 (VCV000223290.1), dbSNP rs869312056, ClinGen allele CA353227.
Genomic context (GRCh38, chr2:178,571,825, plus strand): 5'-TTTAACCACATAATGGCCAACATCTTCTCGGCAGGCGTCCTTTATTGTCAGTAGTGAATT[A>AT]TTTTCTGTGCTCTCTGCATTTACTCTAGTTGTCTGCTTCAGTGGTACATTATCTTTATGC-3'